The following is an entry in ClinVar:

ClinVar aggregate classification (germline): Uncertain significance (1 of 4 stars; one submission).

Conditions:
Cardiovascular phenotype. Identifiers: MedGen CN230736.

gnomAD v4.1: 1 of 1,614,118 alleles (0.000062%); highest among the groups gnomAD compares: Non-Finnish European, 0.000085%; no homozygotes.

Submission:

Ambry Genetics
Classification: Uncertain significance for Cardiovascular phenotype. Last evaluated: 2019-02-08. Review status: criteria provided, single submitter. Criteria: Ambry Variant Classification Scheme 2023. Collection method: clinical testing. Allele origin: germline.
Comment: The p.D2817N variant (also known as c.8449G>A), located in coding exon 10 of the ALMS1 gene, results from a G to A substitution at nucleotide position 8449. The aspartic acid at codon 2817 is replaced by asparagine, an amino acid with highly similar properties. This amino acid position is not well conserved in available vertebrate species. In addition, this alteration is predicted to be tolerated by in silico analysis. Since supporting evidence is limited at this time, the clinical significance of this alteration remains unclear.

NM_001378454.1(ALMS1):c.8446G>A (p.Asp2816Asn)

Gene: ALMS1 (ALMS1 centrosome and basal body associated protein; plus strand). Cytogenetic location: 2p13.1.
Variant type: single nucleotide variant.
Coding change: c.8446G>A on transcript NM_001378454.1 (MANE Select); coding-DNA position 8446, G replaced by A.
Protein change: p.Asp2816Asn; replaces aspartic acid 2816 with asparagine.
Molecular consequence: missense variant.
Genome position (GRCh38, 1-based): chr2:73,490,405, G>A. VCF-style: chr2-73490405-G-A. GRCh37 (hg19) VCF-style: chr2-73717532-G-A.
Other names: c.8449G>A, p.Asp2817Asn (NM_015120.4); short protein forms D2816N, D2817N.
Identifiers: ClinVar variation 1763417 (VCV001763417.2), dbSNP rs1195067720, ClinGen allele CA347268913.
Genomic context (GRCh38, chr2:73,490,405, plus strand): 5'-CAAAAATTACCTGTTGATTTTGAGCGTTCTTTTCAAGAAGAAAAACCCTTAGAAAGATCA[G>A]ATTTTACAGGCAGTCATTCTGAGCCCAGTACCAGGGCAAATTGTAGCAATTTCAAGGAAA-3'
Protein context (NP_001365383.1, residues 2806-2826): FQEEKPLERS[Asp2816Asn]FTGSHSEPST